The following is an entry in ClinVar:

ClinVar aggregate classification (germline): Benign (0 of 4 stars; one submission).

Conditions:
HAVCR1-related disorder. Also called: HAVCR1-related condition.

Allele frequency attached by ClinVar (database versions not stated): 1000 Genomes Project 0.01118; TOPMed 0.01193; 1000 Genomes Project 30x 0.01234; ESP Exome Variant Server 0.01304.
gnomAD v4.1: 3,146 of 1,601,450 alleles (0.2%); highest among the groups gnomAD compares: African/African-American, 3.7%; 61 homozygotes.

Submission:

PreventionGenetics, part of Exact Sciences
Classification: Benign for HAVCR1-related condition. Last evaluated: 2019-09-11. Review status: no assertion criteria provided. Collection method: clinical testing. Allele origin: germline.
Comment: This variant is classified as benign based on ACMG/AMP sequence variant interpretation guidelines (Richards et al. 2015 PMID: 25741868, with internal and published modifications).

NM_001173393.3(HAVCR1):c.521C>T (p.Thr174Met)

Gene: HAVCR1 (hepatitis A virus cellular receptor 1; minus strand). Cytogenetic location: 5q33.3.
Variant type: single nucleotide variant.
Coding change: c.521C>T on transcript NM_001173393.3 (MANE Select); coding-DNA position 521, C replaced by T.
Protein change: p.Thr174Met; replaces threonine 174 with methionine.
Molecular consequence: missense variant.
Genome position (GRCh38, 1-based): chr5:157,052,513, G>A on the plus strand (C>T on the coding strand, the complement: HAVCR1 is on the minus strand). VCF-style: chr5-157052513-G-A. GRCh37 (hg19) VCF-style: chr5-156479524-G-A.
Other names: c.521C>T, p.Thr174Met (NM_001308156.2, NM_012206.3); short protein forms T174M.
Identifiers: ClinVar variation 3039113 (VCV003039113.2), dbSNP rs61734035, ClinGen allele CA3531566.
Genomic context (GRCh38, chr5:157,052,513, plus strand): 5'-GTTGTCGTTGGAACGCTCGTTGTCGTTGAAACAGTCATTGTCGTCAGAACAGTCGTTGTC[G>A]TTGGAATGCTCATTGTTGTTGGAACAGTTGTCGTTGGAACAGTCGTCATTGGAACAGTCG-3'
Protein context (NP_001166864.1, residues 164-184): TTVPTTMSIP[Thr174Met]TTTVLTTMTV